The following is an entry in ClinVar:

ClinVar aggregate classification (germline): Uncertain significance (1 of 4 stars; one submission).

gnomAD v4.1: 1 of 1,612,810 alleles (0.000062%); highest among the groups gnomAD compares: Non-Finnish European, 0.000085%; no homozygotes.

Submission:

Labcorp Genetics (formerly Invitae), Labcorp
Classification: Uncertain significance. Last evaluated: 2023-10-17. Review status: criteria provided, single submitter. Criteria: Invitae Variant Classification Sherloc (09022015). Collection method: clinical testing. Allele origin: germline.
Comment: This sequence change replaces aspartic acid, which is acidic and polar, with histidine, which is basic and polar, at codon 18 of the SLC45A2 protein (p.Asp18His). This variant is present in population databases (no rsID available, gnomAD 0.006%). This variant has not been reported in the literature in individuals affected with SLC45A2-related conditions. Algorithms developed to predict the effect of missense changes on protein structure and function output the following: SIFT: "Not Available"; PolyPhen-2: "Benign"; Align-GVGD: "Not Available". The histidine amino acid residue is found in multiple mammalian species, which suggests that this missense change does not adversely affect protein function. In summary, the available evidence is currently insufficient to determine the role of this variant in disease. Therefore, it has been classified as a Variant of Uncertain Significance.

NM_016180.5(SLC45A2):c.52G>C (p.Asp18His)

Gene: SLC45A2 (solute carrier family 45 member 2; minus strand). Cytogenetic location: 5p13.2.
Variant type: single nucleotide variant.
Coding change: c.52G>C on transcript NM_016180.5 (MANE Select); coding-DNA position 52, G replaced by C.
Protein change: p.Asp18His; replaces aspartic acid 18 with histidine.
Molecular consequence: missense variant.
Genome position (GRCh38, 1-based): chr5:33,984,532, C>G on the plus strand (G>C on the coding strand, the complement: SLC45A2 is on the minus strand). VCF-style: chr5-33984532-C-G. GRCh37 (hg19) VCF-style: chr5-33984637-C-G.
Other names: c.52G>C, p.Asp18His (NM_001012509.4, NM_001297417.4); short protein forms D18H.
Identifiers: ClinVar variation 2788758 (VCV002788758.3), dbSNP rs888610793, ClinGen allele CA359397927.